The following is an entry in ClinVar:

ClinVar aggregate classification (germline): Uncertain significance (1 of 4 stars; one submission).

Submission:

Labcorp Genetics (formerly Invitae), Labcorp
Classification: Uncertain significance. Last evaluated: 2023-11-13. Review status: criteria provided, single submitter. Criteria: Invitae Variant Classification Sherloc (09022015). Collection method: clinical testing. Allele origin: germline.
Comment: This variant results in a copy number gain of the genomic region encompassing exon(s) 6-9 of the FBXW4 gene. This region includes the termination codon of the gene. This copy number gain extends beyond the assayed region for this gene and therefore may encompass additional genes. As the precise location of this event is unknown, it may be in tandem or it may be located elsewhere in the genome. Isolated whole-gene copy number gains of FBXW4 have not been reported in the literature. However, larger copy number events that include this gene have been reported (PMID: 12913067). In summary, the available evidence is currently insufficient to determine the role of this variant in disease. Therefore, it has been classified as a Variant of Uncertain Significance.

Literature cited by the submitters: PubMed 12913067.

NC_000010.10:g.(?_102987027)_(103384587_?)dup

Genes: BTRC (beta-transducin repeat containing E3 ubiquitin protein ligase; plus strand), DPCD (deleted in primary ciliary dyskinesia homolog (mouse); plus strand), FBXW4 (F-box and WD repeat domain containing 4; minus strand), LBX1 (ladybird homeobox 1; minus strand), POLL (DNA polymerase lambda; minus strand). Cytogenetic location: 10q24.31-24.32.
Variant type: Duplication.
Identifiers: ClinVar variation 2426705 (VCV002426705.4).